The following is an entry in ClinVar:

ClinVar aggregate classification (germline): Uncertain significance (1 of 4 stars; one submission).

Allele frequency attached by ClinVar (database versions not stated): gnomAD exomes below 0.00001; gnomAD 0.00001; TOPMed 0.00002.

Submission:

Labcorp Genetics (formerly Invitae), Labcorp
Classification: Uncertain significance. Last evaluated: 2024-10-28. Review status: criteria provided, single submitter. Criteria: Invitae Variant Classification Sherloc (09022015). Collection method: clinical testing. Allele origin: germline.
Comment: This sequence change replaces arginine, which is basic and polar, with cysteine, which is neutral and slightly polar, at codon 277 of the DDR2 protein (p.Arg277Cys). This variant is not present in population databases (gnomAD no frequency). This variant has not been reported in the literature in individuals affected with DDR2-related conditions. ClinVar contains an entry for this variant (Variation ID: 1936517). An algorithm developed to predict the effect of missense changes on protein structure and function (PolyPhen-2) suggests that this variant is likely to be disruptive. In summary, the available evidence is currently insufficient to determine the role of this variant in disease. Therefore, it has been classified as a Variant of Uncertain Significance.

NM_006182.4(DDR2):c.829C>T (p.Arg277Cys)

Gene: DDR2 (discoidin domain receptor tyrosine kinase 2; plus strand). Cytogenetic location: 1q23.3.
Variant type: single nucleotide variant.
Coding change: c.829C>T on transcript NM_006182.4 (MANE Select); coding-DNA position 829, C replaced by T.
Protein change: p.Arg277Cys; replaces arginine 277 with cysteine.
Molecular consequence: missense variant.
Genome position (GRCh38, 1-based): chr1:162,759,953, C>T. VCF-style: chr1-162759953-C-T. GRCh37 (hg19) VCF-style: chr1-162729743-C-T.
Other names: c.829C>T, p.Arg277Cys (NM_001014796.3, NM_001354982.2, NM_001354983.2); short protein forms R277C.
Identifiers: ClinVar variation 1936517 (VCV001936517.5), dbSNP rs1663636997, ClinGen allele CA343408609.
Genomic context (GRCh38, chr1:162,759,953, plus strand): 5'-GTGGGCTGGCGGAACGAGAGTGCCACCAATGGCTACATTGAGATCATGTTTGAATTTGAC[C>T]GCATCAGGAATTTCACTACCATGAAGGTCAGTGGGGTCGGGTGTGGTGGAACTTCTTTAA-3'
Protein context (NP_006173.2, residues 267-287): GYIEIMFEFD[Arg277Cys]IRNFTTMKVH